The following is an entry in ClinVar:

NM_000397.4(CYBB):c.1014C>G (p.His338Gln)

Gene: CYBB (cytochrome b-245 beta chain; plus strand). Cytogenetic location: Xp11.4.
Variant type: single nucleotide variant.
Coding change: c.1014C>G on transcript NM_000397.4 (MANE Select); coding-DNA position 1014, C replaced by G.
Protein change: p.His338Gln; replaces histidine 338 with glutamine.
Molecular consequence: missense variant.
Genome position (GRCh38, 1-based): chrX:37,803,993, C>G. VCF-style: chrX-37803993-C-G. GRCh37 (hg19) VCF-style: chrX-37663246-C-G.
Other names: short protein forms H338Q.
Identifiers: ClinVar variation 2135668 (VCV002135668.4), dbSNP rs2519208678, ClinGen allele CA412977278.

ClinVar aggregate classification (germline): Pathogenic (1 of 4 stars; one submission).

Conditions:
Granulomatous disease, chronic, X-linked. Also called: GRANULOMATOUS DISEASE, CHRONIC, X-LINKED, SOMATIC MOSAIC; CYTOCHROME b-NEGATIVE GRANULOMATOUS DISEASE, CHRONIC, X-LINKED. Identifiers: Orphanet 379, MedGen C1844376, MONDO:0010600, OMIM 306400.

Submission:

Labcorp Genetics (formerly Invitae), Labcorp
Classification: Pathogenic for Granulomatous disease, chronic, X-linked. Last evaluated: 2022-05-08. Review status: criteria provided, single submitter. Criteria: Invitae Variant Classification Sherloc (09022015). Collection method: clinical testing. Allele origin: germline.
Comment: This missense change has been observed in individuals with chronic granulomatous disease (PMID: 20729109, 28251166). This variant is not present in population databases (gnomAD no frequency). This sequence change replaces histidine, which is basic and polar, with glutamine, which is neutral and polar, at codon 338 of the CYBB protein (p.His338Gln). For these reasons, this variant has been classified as Pathogenic. This variant disrupts the p.His338 amino acid residue in CYBB. Other variant(s) that disrupt this residue have been determined to be pathogenic (Invitae). This suggests that this residue is clinically significant, and that variants that disrupt this residue are likely to be disease-causing. Advanced modeling of protein sequence and biophysical properties (such as structural, functional, and spatial information, amino acid conservation, physicochemical variation, residue mobility, and thermodynamic stability) performed at Invitae indicates that this missense variant is expected to disrupt CYBB protein function.

Literature cited by the submitters: PubMed 20729109; PubMed 28251166.